The following is an entry in ClinVar:

NM_001368809.2(AMPD2):c.2172G>C (p.Glu724Asp)

Gene: AMPD2 (adenosine monophosphate deaminase 2; plus strand). Cytogenetic location: 1p13.3.
Variant type: single nucleotide variant.
Coding change: c.2172G>C on transcript NM_001368809.2 (MANE Select); coding-DNA position 2172, G replaced by C.
Protein change: p.Glu724Asp; replaces glutamic acid 724 with aspartic acid.
Molecular consequence: missense variant.
Genome position (GRCh38, 1-based): chr1:109,630,697, G>C. VCF-style: chr1-109630697-G-C. GRCh37 (hg19) VCF-style: chr1-110173319-G-C.
Other names: E778D; c.2334G>C (NM_001257360.1); c.1980G>C, p.Glu660Asp (NM_001257361.2); c.2109G>C, p.Glu703Asp (NM_001308170.1); c.2172G>C, p.Glu724Asp (NM_004037.9); c.2091G>C, p.Glu697Asp (NM_139156.4); short protein forms E660D, E697D, E703D, E724D.
Identifiers: ClinVar variation 132810 (VCV000132810.2), dbSNP rs587777392, ClinGen allele CA156214.

ClinVar aggregate classification (germline): Pathogenic. Review status: criteria provided, single submitter (1 of 4 stars). 2 submissions from 2 submitters: Pathogenic (1). 1 of the submissions does not count toward it. Last evaluated 2026-01-23.

Conditions:
Pontocerebellar hypoplasia type 9. Identifiers: Orphanet 369920, MedGen C4014354, MONDO:0014351, OMIM 615809.
Pontoneocerebellar hypoplasia. Also called: Pontocerebellar hypoplasia; Non-syndromic pontocerebellar hypoplasia. Identifiers: Orphanet 98523, MedGen C1261175, MONDO:0020135.

Submissions (2):

Women's Health and Genetics/Laboratory Corporation of America, LabCorp
Classification: Pathogenic for Pontoneocerebellar hypoplasia. Last evaluated: 2026-01-23. Review status: criteria provided, single submitter. Criteria: LabCorp Variant Classification Summary - May 2015. Collection method: clinical testing. Allele origin: germline.
Comment: Variant summary: AMPD2 c.2172G>C (p.Glu724Asp) results in a conservative amino acid change in the encoded protein sequence. Algorithms developed to predict the effect of missense changes on protein structure and function are either unavailable or do not agree on the potential impact of this missense change. The variant was absent in 245236 control chromosomes. c.2172G>C has been observed in two homozygous individuals in one family affected with Pontocerebellar Hypoplasia, Type 9 (Akizu_2013, Accogli_2017). These data indicate that the variant is likely to be associated with disease. At least one publication reports experimental evidence evaluating an impact on protein function (Akizu_2013). The most pronounced variant effect results in <10% of normal activity. The following publications have been ascertained in the context of this evaluation (PMID: 28815207, 23911318). ClinVar contains an entry for this variant (Variation ID: 132810). Based on the evidence outlined above, the variant was classified as pathogenic.

OMIM
Classification: Pathogenic for PONTOCEREBELLAR HYPOPLASIA, TYPE 9. Last evaluated: 2013-08-01. Review status: no assertion criteria provided. Collection method: literature only. Allele origin: germline. Not counted in ClinVar's aggregate classification.

Literature cited by the submitters: PubMed 28815207 (cited by Women's Health and Genetics/Laboratory Corporation of America, LabCorp); PubMed 23911318 (cited by Women's Health and Genetics/Laboratory Corporation of America, LabCorp and OMIM).